The following is an entry in ClinVar:

ClinVar aggregate classification (germline): Uncertain significance (1 of 4 stars; one submission).

Allele frequency attached by ClinVar (database versions not stated): gnomAD exomes 0.00001.
gnomAD v4.1: 13 of 1,613,858 alleles (0.00081%); highest among the groups gnomAD compares: Middle Eastern, 0.017%; no homozygotes.

Submission:

Labcorp Genetics (formerly Invitae), Labcorp
Classification: Uncertain significance. Last evaluated: 2022-10-24. Review status: criteria provided, single submitter. Criteria: Invitae Variant Classification Sherloc (09022015). Collection method: clinical testing. Allele origin: germline.
Comment: This sequence change replaces valine, which is neutral and non-polar, with methionine, which is neutral and non-polar, at codon 425 of the HPS1 protein (p.Val425Met). This variant is present in population databases (no rsID available, gnomAD 0.0009%). This variant has not been reported in the literature in individuals affected with HPS1-related conditions. Advanced modeling of protein sequence and biophysical properties (such as structural, functional, and spatial information, amino acid conservation, physicochemical variation, residue mobility, and thermodynamic stability) performed at Invitae indicates that this missense variant is not expected to disrupt HPS1 protein function. In summary, the available evidence is currently insufficient to determine the role of this variant in disease. Therefore, it has been classified as a Variant of Uncertain Significance.

NM_000195.5(HPS1):c.1273G>A (p.Val425Met)

Gene: HPS1 (HPS1 biogenesis of lysosomal organelles complex 3 subunit 1; minus strand). Cytogenetic location: 10q24.2.
Variant type: single nucleotide variant.
Coding change: c.1273G>A on transcript NM_000195.5 (MANE Select); coding-DNA position 1273, G replaced by A.
Protein change: p.Val425Met; replaces valine 425 with methionine.
Molecular consequence: missense variant.
Genome position (GRCh38, 1-based): chr10:98,425,603, C>T on the plus strand (G>A on the coding strand, the complement: HPS1 is on the minus strand). VCF-style: chr10-98425603-C-T. GRCh37 (hg19) VCF-style: chr10-100185360-C-T.
Other names: c.301G>A, p.Val101Met (NM_001311345.2, NM_001322487.2, NM_001322489.2); c.1273G>A, p.Val425Met (NM_001322476.2, NM_001322477.2); c.1174G>A, p.Val392Met (NM_001322478.2, NM_001322479.2); c.1012G>A, p.Val338Met (NM_001322480.2, NM_001322481.2); c.913G>A, p.Val305Met (NM_001322482.2); c.904G>A, p.Val302Met (NM_001322483.2, NM_001322484.2); c.805G>A, p.Val269Met (NM_001322485.2); short protein forms V101M, V269M, V302M, V425M, V305M, V338M, V392M.
Identifiers: ClinVar variation 2168371 (VCV002168371.1), dbSNP rs1157200206, ClinGen allele CA378047706.